The following is an entry in ClinVar:

ClinVar aggregate classification (germline): Uncertain significance (1 of 4 stars; one submission).

Conditions:
Ataxia-telangiectasia syndrome (AT). Also called: LOUIS-BAR SYNDROME; Ataxia-telangiectasia, complementation group E; Ataxia-telangiectasia, complementation group D; AT, COMPLEMENTATION GROUP C; Ataxia telangiectasia (A-T); Cerebello-oculocutaneous telangiectasia. Identifiers: Orphanet 100, MedGen C0004135, MONDO:0008840, OMIM 208900.

Submission:

Labcorp Genetics (formerly Invitae), Labcorp
Classification: Uncertain significance for Ataxia-telangiectasia syndrome. Last evaluated: 2025-01-17. Review status: criteria provided, single submitter. Criteria: Invitae Variant Classification Sherloc (09022015). Collection method: clinical testing. Allele origin: germline.
Comment: This sequence change replaces lysine, which is basic and polar, with glutamic acid, which is acidic and polar, at codon 1580 of the ATM protein (p.Lys1580Glu). This variant is not present in population databases (gnomAD no frequency). This variant has not been reported in the literature in individuals affected with ATM-related conditions. ClinVar contains an entry for this variant (Variation ID: 641854). Invitae Evidence Modeling of protein sequence and biophysical properties (such as structural, functional, and spatial information, amino acid conservation, physicochemical variation, residue mobility, and thermodynamic stability) indicates that this missense variant is not expected to disrupt ATM protein function with a negative predictive value of 95%. In summary, the available evidence is currently insufficient to determine the role of this variant in disease. Therefore, it has been classified as a Variant of Uncertain Significance.

NM_000051.4(ATM):c.4738A>G (p.Lys1580Glu)

Gene: ATM (ATM serine/threonine kinase; plus strand). Cytogenetic location: 11q22.3.
Variant type: single nucleotide variant.
Coding change: c.4738A>G on transcript NM_000051.4 (MANE Select); coding-DNA position 4738, A replaced by G.
Protein change: p.Lys1580Glu; replaces lysine 1580 with glutamic acid.
Molecular consequence: missense variant.
Genome position (GRCh38, 1-based): chr11:108,293,439, A>G. VCF-style: chr11-108293439-A-G. GRCh37 (hg19) VCF-style: chr11-108164166-A-G.
Other names: c.4738A>G, p.Lys1580Glu (NM_001351834.2); short protein forms K1580E.
Identifiers: ClinVar variation 641854 (VCV000641854.8), dbSNP rs1591677635, ClinGen allele CA382535049.
Genomic context (GRCh38, chr11:108,293,439, plus strand): 5'-AAGCTTTTAGATCCTTTTCCTGACCATGTTGTTTTTAAGGATTTGCGTATTACTCAGCAA[A>G]AAATCAAATACAGTAGAGGACCCTTTTCACTCTTGGAGGTAATAAAAATTTCATCATCTA-3'
Protein context (NP_000042.3, residues 1570-1590): VFKDLRITQQ[Lys1580Glu]IKYSRGPFSL